The following is an entry in ClinVar:

ClinVar aggregate classification (germline): Uncertain significance. Review status: criteria provided, multiple submitters, no conflicts (2 of 4 stars). 2 submissions from 2 submitters: Uncertain significance (2). Last evaluated 2025-09-14.

Conditions:
POLD1-related polyposis and colorectal cancer syndrome (CRCS10). Also called: Colorectal cancer 10; COLORECTAL CANCER, SUSCEPTIBILITY TO, ON CHROMOSOME 19q; Colorectal cancer, susceptibility to, 10. Identifiers: Orphanet 220460, MedGen C2675481, MONDO:0012953, OMIM 612591.
Hereditary cancer-predisposing syndrome. Also called: Tumor predisposition; Neoplastic Syndromes, Hereditary; Hereditary Cancer Syndrome; Hereditary neoplastic syndrome. Identifiers: Orphanet 140162, MedGen C0027672, MeSH D009386, MONDO:0015356.

Allele frequency attached by ClinVar (database versions not stated): gnomAD exomes below 0.00001.
gnomAD v4.1: 1 of 1,453,444 alleles (0.000069%); highest among the groups gnomAD compares: Non-Finnish European, 0.000092%; no homozygotes.

Submissions (2):

Ambry Genetics
Classification: Uncertain significance for Hereditary cancer-predisposing syndrome. Last evaluated: 2025-09-14. Review status: criteria provided, single submitter. Criteria: Ambry Variant Classification Scheme 2023. Collection method: clinical testing. Allele origin: germline.
Comment: The p.S914G variant (also known as c.2740A>G), located in coding exon 21 of the POLD1 gene, results from an A to G substitution at nucleotide position 2740. The serine at codon 914 is replaced by glycine, an amino acid with similar properties. This amino acid position is conserved. In addition, this alteration is predicted to be tolerated by in silico analysis. Based on the available evidence, the clinical significance of this variant remains unclear.

Labcorp Genetics (formerly Invitae), Labcorp
Classification: Uncertain significance for POLD1-related polyposis and colorectal cancer syndrome. Last evaluated: 2022-04-24. Review status: criteria provided, single submitter. Criteria: Invitae Variant Classification Sherloc (09022015). Collection method: clinical testing. Allele origin: germline.
Comment: Algorithms developed to predict the effect of missense changes on protein structure and function are either unavailable or do not agree on the potential impact of this missense change (SIFT: "Tolerated"; PolyPhen-2: "Probably Damaging"; Align-GVGD: "Class C0"). In summary, the available evidence is currently insufficient to determine the role of this variant in disease. Therefore, it has been classified as a Variant of Uncertain Significance. This variant has not been reported in the literature in individuals affected with POLD1-related conditions. This variant is not present in population databases (gnomAD no frequency). This sequence change replaces serine, which is neutral and polar, with glycine, which is neutral and non-polar, at codon 914 of the POLD1 protein (p.Ser914Gly).

NM_002691.4(POLD1):c.2740A>G (p.Ser914Gly)

Gene: POLD1 (DNA polymerase delta 1, catalytic subunit; plus strand). Cytogenetic location: 19q13.33.
Variant type: single nucleotide variant.
Coding change: c.2740A>G on transcript NM_002691.4 (MANE Select); coding-DNA position 2740, A replaced by G.
Protein change: p.Ser914Gly; replaces serine 914 with glycine.
Molecular consequence: missense variant.
Genome position (GRCh38, 1-based): chr19:50,415,746, A>G. VCF-style: chr19-50415746-A-G. GRCh37 (hg19) VCF-style: chr19-50919003-A-G.
Other names: c.2740A>G (NM_002691.2); c.2740A>G, p.Ser914Gly (NM_001256849.1); c.2818A>G, p.Ser940Gly (NM_001308632.1); short protein forms S914G, S940G.
Identifiers: ClinVar variation 2130046 (VCV002130046.5), dbSNP rs2122480677, ClinGen allele CA406985871.